The following is an entry in ClinVar:

ClinVar aggregate classification (germline): Uncertain significance (1 of 4 stars; one submission).

gnomAD v4.1: 1 of 1,208,191 alleles (0.000083%); highest among the groups gnomAD compares: Non-Finnish European, 0.00011%; no homozygotes.

Submission:

GeneDx
Classification: Uncertain significance. Last evaluated: 2026-02-21. Review status: criteria provided, single submitter. Criteria: GeneDx Variant Classification Process June 2021. Collection method: clinical testing. Allele origin: germline.
Comment: Not observed at significant frequency in large population cohorts (gnomAD); In silico analysis supports that this missense variant has a deleterious effect on protein structure/function; Has not been previously published as pathogenic or benign to our knowledge

NM_031206.7(LAS1L):c.1106T>G (p.Leu369Trp)

Gene: LAS1L (LAS1 like ribosome biogenesis factor; minus strand). Cytogenetic location: Xq12.
Variant type: single nucleotide variant.
Coding change: c.1106T>G on transcript NM_031206.7 (MANE Select); coding-DNA position 1106, T replaced by G.
Protein change: p.Leu369Trp; replaces leucine 369 with tryptophan.
Molecular consequence: missense variant. On other transcripts: non-coding transcript variant (3).
Genome position (GRCh38, 1-based): chrX:65,524,250, A>C on the plus strand (T>G on the coding strand, the complement: LAS1L is on the minus strand). VCF-style: chrX-65524250-A-C. GRCh37 (hg19) VCF-style: chrX-64744130-A-C.
Other names: c.1055T>G, p.Leu352Trp (NM_001170649.2, NM_001375331.1, NM_001375333.1 and 4 more transcripts); c.929T>G, p.Leu310Trp (NM_001170650.2); c.1106T>G, p.Leu369Trp (NM_001375328.1, NM_001375329.1, NM_001375330.1 and 3 more transcripts); c.149T>G, p.Leu50Trp (NM_001375332.1); short protein forms L352W, L310W, L50W, L369W.
Identifiers: ClinVar variation 5009695 (VCV005009695.1).